The following is an entry in ClinVar:

NM_007194.4(CHEK2):c.1375+3A>G

Gene: CHEK2 (checkpoint kinase 2; minus strand). Cytogenetic location: 22q12.1.
Variant type: single nucleotide variant.
Coding change: c.1375+3A>G on transcript NM_007194.4 (MANE Select); 3 bases into the intron after coding-DNA position 1375, A replaced by G.
Molecular consequence: intron variant.
Genome position (GRCh38, 1-based): chr22:28,695,124, T>C on the plus strand (A>G on the coding strand, the complement: CHEK2 is on the minus strand). VCF-style: chr22-28695124-T-C. GRCh37 (hg19) VCF-style: chr22-29091112-T-C.
Other names: c.712+3A>G (NM_001437942.1, NM_001257387.3); c.1174+3A>G (NM_001349956.3); c.1288+3A>G (NM_145862.3); c.1381+3A>G (NM_001438295.1); c.1468+3A>G (NM_001438293.1); c.1417+3A>G (NM_001438294.1); c.1504+3A>G (NM_001005735.3).
Identifiers: ClinVar variation 232607 (VCV000232607.19), dbSNP rs876659868, ClinGen allele CA10581035.

ClinVar aggregate classification (germline): Uncertain significance. Review status: criteria provided, multiple submitters, no conflicts (2 of 4 stars). 5 submissions from 5 submitters: Uncertain significance (5). Last evaluated 2026-02-25.

Conditions:
Familial cancer of breast. Also called: hereditary breast carcinoma; BREAST CANCER, FAMILIAL; Hereditary breast cancer. Identifiers: Orphanet 227535, MedGen C0346153, MONDO:0016419, OMIM 114480. Disease mechanism: loss of function.
Bone osteosarcoma. Also called: Osteosarcoma, somatic. Identifiers: Orphanet 668, MedGen C0585442, MONDO:0002629, OMIM 259500.
CHEK2-related cancer predisposition (TPDS4). Also called: CANCER PREDISPOSITION SYNDROME, CHEK2-RELATED; TUMOR PREDISPOSITION SYNDROME 4; CHEK2-related cancer susceptibility. Identifiers: Orphanet 524, MedGen C5882668, MONDO:0700271, OMIM 609265.
Prostate cancer. Also called: Malignant tumor of prostate. Identifiers: Orphanet 1331, MedGen C0376358, MONDO:0008315, HP:0012125.
Hereditary cancer-predisposing syndrome. Also called: Hereditary neoplastic syndrome; Hereditary Cancer Syndrome; Neoplastic Syndromes, Hereditary; Tumor predisposition. Identifiers: Orphanet 140162, MedGen C0027672, MeSH D009386, MONDO:0015356.

Allele frequency attached by ClinVar (database versions not stated): gnomAD exomes below 0.00001; TOPMed below 0.00001.
gnomAD v4.1: 1 of 1,582,264 alleles (0.000063%); highest among the groups gnomAD compares: Admixed American, 0.0017%; no homozygotes.

Submissions (5):

Ambry Genetics
Classification: Uncertain significance for Hereditary cancer-predisposing syndrome. Last evaluated: 2026-02-25. Review status: criteria provided, single submitter. Criteria: Ambry Variant Classification Scheme 2023. Collection method: clinical testing. Allele origin: germline.
Comment: The c.1375+3A>G intronic variant results from an A to G substitution 3 nucleotides after coding exon 11 in the CHEK2 gene. This nucleotide position is highly conserved in available vertebrate species. In silico splice site analysis predicts that this alteration may result in the creation or strengthening of a novel splice donor site; however, direct evidence is insufficient at this time (Ambry internal data). Based on the available evidence, the clinical significance of this variant remains unclear.

GeneDx
Classification: Uncertain significance. Last evaluated: 2025-02-20. Review status: criteria provided, single submitter. Criteria: GeneDx Variant Classification Process June 2021. Collection method: clinical testing. Allele origin: germline. Affected: yes.
Comment: Not observed at significant frequency in large population cohorts (gnomAD); In silico analysis supports that this variant does not alter splicing; Has not been previously published as pathogenic or benign to our knowledge; Also known as IVS11+3A>G and c.1504+3

Quest Diagnostics Nichols Institute San Juan Capistrano
Classification: Uncertain significance. Last evaluated: 2025-01-15. Review status: criteria provided, single submitter. Criteria: Quest Diagnostics criteria. Collection method: clinical testing. Allele origin: unknown.
Comment: The CHEK2 c.1375+3A>G variant has not been reported in individuals with CHEK2-related conditions in the published literature. The frequency of this variant in the general population (Genome Aggregation Database) is uninformative in the assessment of its pathogenicity. Analysis of this variant using software algorithms for the prediction of the effect of nucleotide changes on splicing yielded predictions that this variant may affect proper CHEK2 mRNA splicing. Based on the available information, we are unable to determine the clinical significance of this variant.

Labcorp Genetics (formerly Invitae), Labcorp
Classification: Uncertain significance for Familial cancer of breast. Last evaluated: 2024-04-24. Review status: criteria provided, single submitter. Criteria: Invitae Variant Classification Sherloc (09022015). Collection method: clinical testing. Allele origin: germline.
Comment: This sequence change falls in intron 12 of the CHEK2 gene. It does not directly change the encoded amino acid sequence of the CHEK2 protein. It affects a nucleotide within the consensus splice site. This variant is present in population databases (no rsID available, gnomAD 0.003%). This variant has not been reported in the literature in individuals affected with CHEK2-related conditions. ClinVar contains an entry for this variant (Variation ID: 232607). Variants that disrupt the consensus splice site are a relatively common cause of aberrant splicing (PMID: 17576681, 9536098). Algorithms developed to predict the effect of sequence changes on RNA splicing suggest that this variant may disrupt the consensus splice site. In summary, the available evidence is currently insufficient to determine the role of this variant in disease. Therefore, it has been classified as a Variant of Uncertain Significance.

Fulgent Genetics
Classification: Uncertain significance for Familial cancer of breast; Familial prostate cancer; Bone osteosarcoma; CHEK2-related cancer predisposition. Last evaluated: 2018-10-31. Review status: criteria provided, single submitter. Criteria: ACMG Guidelines, 2015. Collection method: clinical testing. Allele origin: unknown.

Literature cited by the submitters: PubMed 17576681 (cited by Labcorp Genetics (formerly Invitae), Labcorp); PubMed 9536098 (cited by Labcorp Genetics (formerly Invitae), Labcorp).